The following is an entry in ClinVar:

ClinVar aggregate classification (germline): Uncertain significance (1 of 4 stars; one submission).

Allele frequency attached by ClinVar (database versions not stated): gnomAD exomes below 0.00001.
gnomAD v4.1: 8 of 1,614,220 alleles (0.0005%); highest among the groups gnomAD compares: Non-Finnish European, 0.00059%; no homozygotes.

Submission:

Labcorp Genetics (formerly Invitae), Labcorp
Classification: Uncertain significance. Last evaluated: 2021-07-24. Review status: criteria provided, single submitter. Criteria: Invitae Variant Classification Sherloc (09022015). Collection method: clinical testing. Allele origin: germline.
Comment: In summary, the available evidence is currently insufficient to determine the role of this variant in disease. Therefore, it has been classified as a Variant of Uncertain Significance. Algorithms developed to predict the effect of missense changes on protein structure and function are either unavailable or do not agree on the potential impact of this missense change (SIFT: "Deleterious"; PolyPhen-2: "Benign"; Align-GVGD: "Class C25"). This variant has not been reported in the literature in individuals affected with EFEMP1-related conditions. This variant is not present in population databases (ExAC no frequency). This sequence change replaces serine with phenylalanine at codon 154 of the EFEMP1 protein (p.Ser154Phe). The serine residue is highly conserved and there is a large physicochemical difference between serine and phenylalanine.

NM_001039348.3(EFEMP1):c.461C>T (p.Ser154Phe)

Gene: EFEMP1 (EGF-like fibulin extracellular matrix protein 1; minus strand). Cytogenetic location: 2p16.1.
Variant type: single nucleotide variant.
Coding change: c.461C>T on transcript NM_001039348.3 (MANE Select); coding-DNA position 461, C replaced by T.
Protein change: p.Ser154Phe; replaces serine 154 with phenylalanine.
Molecular consequence: missense variant.
Genome position (GRCh38, 1-based): chr2:55,917,721, G>A on the plus strand (C>T on the coding strand, the complement: EFEMP1 is on the minus strand). VCF-style: chr2-55917721-G-A. GRCh37 (hg19) VCF-style: chr2-56144856-G-A.
Other names: c.461C>T, p.Ser154Phe (NM_001039349.3); short protein forms S154F.
Identifiers: ClinVar variation 1507330 (VCV001507330.8), dbSNP rs1469786167, ClinGen allele CA347026417.